The following is an entry in ClinVar:

NM_032444.4(SLX4):c.3529G>T (p.Glu1177Ter)

Gene: SLX4 (SLX4 structure-specific endonuclease subunit; minus strand). Cytogenetic location: 16p13.3.
Variant type: single nucleotide variant.
Coding change: c.3529G>T on transcript NM_032444.4 (MANE Select); coding-DNA position 3529, G replaced by T.
Protein change: p.Glu1177Ter; replaces glutamic acid 1177 with a stop codon.
Molecular consequence: nonsense.
Genome position (GRCh38, 1-based): chr16:3,590,109, C>A on the plus strand (G>T on the coding strand, the complement: SLX4 is on the minus strand). VCF-style: chr16-3590109-C-A. GRCh37 (hg19) VCF-style: chr16-3640110-C-A.
Other names: short protein forms E1177*.
Identifiers: ClinVar variation 1958549 (VCV001958549.5), dbSNP rs2151123420, ClinGen allele CA394519936.
Genomic context (GRCh38, chr16:3,590,109, plus strand): 5'-CATCAATGATGGAAAACAGCTCACAGGACCTAGGGCTAATTTCTAGAGCTTTCTTTTCTT[C>A]CAGAGGATCACTAGAAATGGACTTCATTTTGGTTTGTTCTAGCTCCAGCTCCTCATCCGA-3'

ClinVar aggregate classification (germline): Pathogenic (1 of 4 stars; one submission).

Conditions:
Fanconi anemia (FA). Also called: Fanconi's anemia. Identifiers: Orphanet 84, MedGen C0015625, MeSH D005199, MONDO:0019391.

Submission:

Labcorp Genetics (formerly Invitae), Labcorp
Classification: Pathogenic for Fanconi anemia. Last evaluated: 2022-05-02. Review status: criteria provided, single submitter. Criteria: Invitae Variant Classification Sherloc (09022015). Collection method: clinical testing. Allele origin: germline.
Comment: This sequence change creates a premature translational stop signal (p.Glu1177*) in the SLX4 gene. It is expected to result in an absent or disrupted protein product. Loss-of-function variants in SLX4 are known to be pathogenic (PMID: 21240277). For these reasons, this variant has been classified as Pathogenic. This variant has not been reported in the literature in individuals affected with SLX4-related conditions. This variant is not present in population databases (gnomAD no frequency).

Literature cited by the submitters: PubMed 21240277.